The following is an entry in ClinVar:

ClinVar aggregate classification (germline): Likely benign (1 of 4 stars; one submission).

Conditions:
Breast-ovarian cancer, familial, susceptibility to, 1 (BROVCA1). Also called: OVARIAN CANCER, SUSCEPTIBILITY TO; BRCA1 Hereditary Breast and Ovarian Cancer. Identifiers: Orphanet 145, MedGen C2676676, MONDO:0011450, OMIM 604370. Disease mechanism: loss of function.

gnomAD v4.1: 4 of 1,614,126 alleles (0.00025%); highest among the groups gnomAD compares: Non-Finnish European, 0.00034%; no homozygotes.

Submission:

Cancer Bioinformatics and Tumour Evolution Laboratory, Monash University
Classification: Likely benign for Breast-ovarian cancer, familial, susceptibility to, 1. Last evaluated: 2026-05-01. Review status: criteria provided, single submitter. Criteria: ClinGen BRCA1 and BRCA2 Guidelines, 2024. Collection method: curation. Allele origin: germline. Inheritance: Autosomal dominant inheritance.
Comment: Missense variant outside of a functional domain with no splice impact. BRCA1 and BRCA2 VCEP guidelines recommend application of BP1_Strong (PMID: 39142283). PMID: 39281752 - A large scale study to determine the case-control LR of BRCA1 and BRCA2 variants. The data was consolidated in the ccLR browser. This variant was found in the browser with a LR of 0.159997858 which is in the benign moderate range (0.05-0.23) according to the BRCA1 and BRCA2 VCEP. Hence, BP5_Moderate is applied.

Literature cited by the submitters: PubMed 39281752.

NM_007294.4(BRCA1):c.3589C>T (p.His1197Tyr)

Genes: BRCA1 (BRCA1 DNA repair associated; minus strand), LOC126862571 (BRD4-independent group 4 enhancer GRCh37_chr17:41243136-41244335; plus strand). Cytogenetic location: 17q21.31.
Variant type: single nucleotide variant.
Coding change: c.3589C>T on transcript NM_007294.4 (MANE Select); coding-DNA position 3589, C replaced by T.
Protein change: p.His1197Tyr; replaces histidine 1197 with tyrosine.
Molecular consequence: missense variant. On other transcripts: intron variant (135).
Genome position (GRCh38, 1-based): chr17:43,091,942, G>A on the plus strand (C>T on the coding strand, the complement: BRCA1 is on the minus strand). VCF-style: chr17-43091942-G-A. GRCh37 (hg19) VCF-style: chr17-41243959-G-A.
Other names: c.3445C>T, p.His1149Tyr (NM_001407838.1, NM_001407839.1, NM_001407841.1 and 20 more transcripts); c.3376C>T, p.His1126Tyr (NM_001407571.1, NM_001407853.1, NM_001407894.1 and 9 more transcripts); c.3589C>T, p.His1197Tyr (NM_001407581.1, NM_001407582.1, NM_001407583.1 and 30 more transcripts); c.3586C>T, p.His1196Tyr (NM_001407587.1, NM_001407590.1, NM_001407591.1 and 22 more transcripts); c.3580C>T, p.His1194Tyr (NM_001407646.1, NM_001407647.1); c.3466C>T, p.His1156Tyr (NM_001407648.1, NM_001407664.1, NM_001407665.1 and 19 more transcripts); c.3463C>T, p.His1155Tyr (NM_001407649.1, NM_001407670.1, NM_001407671.1 and 11 more transcripts); c.3511C>T, p.His1171Tyr (NM_001407653.1, NM_001407654.1, NM_001407655.1 and 4 more transcripts); and 41 more; short protein forms H1029Y, H1069Y, H1070Y, H1085Y, H1086Y, H1108Y, H1109Y, H1126Y.
Identifiers: ClinVar variation 4856590 (VCV004856590.1).
Genomic context (GRCh38, chr17:43,091,942, plus strand): 5'-ATAAGTTCTCTTCTGAGGACTCTAATTTCTTGGCCCCTCTTCGGTAACCCTGAGCCAAAT[G>A]TGTATGGGTGAAAGGGCTAGGACTCCTGCTAAGCTCTCCTTTCTGGACGCTTTTGCTAAA-3'
Protein context (NP_009225.1, residues 1187-1207): SRSPSPFTHT[His1197Tyr]LAQGYRRGAK